The following is an entry in ClinVar:

ClinVar aggregate classification (germline): Uncertain significance (1 of 4 stars; one submission).

Allele frequency attached by ClinVar (database versions not stated): gnomAD exomes below 0.00001.
gnomAD v4.1: 1 of 1,614,166 alleles (0.000062%); highest among the groups gnomAD compares: Non-Finnish European, 0.000085%; no homozygotes.

Submission:

Labcorp Genetics (formerly Invitae), Labcorp
Classification: Uncertain significance. Last evaluated: 2021-09-15. Review status: criteria provided, single submitter. Criteria: Invitae Variant Classification Sherloc (09022015). Collection method: clinical testing. Allele origin: germline.
Comment: This sequence change replaces threonine with alanine at codon 897 of the COL11A1 protein (p.Thr897Ala). The threonine residue is highly conserved and there is a small physicochemical difference between threonine and alanine. In summary, the available evidence is currently insufficient to determine the role of this variant in disease. Therefore, it has been classified as a Variant of Uncertain Significance. Advanced modeling of protein sequence and biophysical properties (such as structural, functional, and spatial information, amino acid conservation, physicochemical variation, residue mobility, and thermodynamic stability) performed at Invitae indicates that this missense variant is not expected to disrupt COL11A1 protein function. This variant has not been reported in the literature in individuals affected with COL11A1-related conditions. This variant is not present in population databases (ExAC no frequency).

NM_001854.4(COL11A1):c.2689A>G (p.Thr897Ala)

Gene: COL11A1 (collagen type XI alpha 1 chain; minus strand). Cytogenetic location: 1p21.1.
Variant type: single nucleotide variant.
Coding change: c.2689A>G on transcript NM_001854.4 (MANE Select); coding-DNA position 2689, A replaced by G.
Protein change: p.Thr897Ala; replaces threonine 897 with alanine.
Molecular consequence: missense variant. On other transcripts: non-coding transcript variant (1).
Genome position (GRCh38, 1-based): chr1:102,978,880, T>C on the plus strand (A>G on the coding strand, the complement: COL11A1 is on the minus strand). VCF-style: chr1-102978880-T-C. GRCh37 (hg19) VCF-style: chr1-103444436-T-C.
Other names: c.2572A>G, p.Thr858Ala (NM_001190709.2); c.2725A>G, p.Thr909Ala (NM_080629.3); c.2341A>G, p.Thr781Ala (NM_080630.4); short protein forms T781A, T909A, T858A, T897A.
Identifiers: ClinVar variation 1487277 (VCV001487277.6), dbSNP rs2101680384, ClinGen allele CA341163250.